The following is an entry in ClinVar:

NM_000059.4(BRCA2):c.73G>A (p.Gly25Arg)

Gene: BRCA2 (BRCA2 DNA repair associated; plus strand). Cytogenetic location: 13q13.1.
Variant type: single nucleotide variant.
Coding change: c.73G>A on transcript NM_000059.4 (MANE Select); coding-DNA position 73, G replaced by A.
Protein change: p.Gly25Arg; replaces glycine 25 with arginine.
Molecular consequence: missense variant.
Genome position (GRCh38, 1-based): chr13:32,319,082, G>A. VCF-style: chr13-32319082-G-A. GRCh37 (hg19) VCF-style: chr13-32893219-G-A.
Other names: short protein forms G25R.
Identifiers: ClinVar variation 52318 (VCV000052318.18), dbSNP rs80358961, ClinGen allele CA025054.

ClinVar aggregate classification (germline): Uncertain significance. Review status: criteria provided, multiple submitters, no conflicts (2 of 4 stars). 6 submissions from 6 submitters: Uncertain significance (5). 1 of the submissions does not count toward it. Last evaluated 2024-06-24.

Conditions:
Hereditary cancer-predisposing syndrome. Also called: Neoplastic Syndromes, Hereditary; Tumor predisposition; Hereditary neoplastic syndrome; Hereditary Cancer Syndrome. Identifiers: Orphanet 140162, MedGen C0027672, MeSH D009386, MONDO:0015356.
Hereditary breast ovarian cancer syndrome. Also called: Hereditary breast and ovarian cancer syndrome; Hereditary breast and ovarian cancer; Hereditary breast and ovarian cancer syndrome (HBOC); Breast and ovarian cancer; Hereditary breast and/or ovarian cancer syndrome; BRCA1- and BRCA2-Associated Hereditary Breast and Ovarian Cancer. Identifiers: Orphanet 145, MedGen C0677776, MeSH D061325, MONDO:0003582. Disease mechanism: loss of function.
Breast-ovarian cancer, familial, susceptibility to, 2 (BROVCA2). Also called: BRCA2 Hereditary Breast and Ovarian Cancer. Identifiers: Orphanet 145, MedGen C2675520, MONDO:0012933, OMIM 612555. Disease mechanism: loss of function.
Familial cancer of breast. Also called: BREAST CANCER, FAMILIAL; Hereditary breast cancer; hereditary breast carcinoma. Identifiers: Orphanet 227535, MedGen C0346153, MONDO:0016419, OMIM 114480. Disease mechanism: loss of function.

Allele frequency attached by ClinVar (database versions not stated): gnomAD exomes below 0.00001.
gnomAD v4.1: 2 of 1,611,898 alleles (0.00012%); highest among the groups gnomAD compares: Non-Finnish European, 0.000085%; no homozygotes.

Submissions (6):

Ambry Genetics
Classification: Uncertain significance for Hereditary cancer-predisposing syndrome. Last evaluated: 2024-06-24. Review status: criteria provided, single submitter. Criteria: Ambry Variant Classification Scheme 2023. Collection method: clinical testing. Allele origin: germline.
Comment: The p.G25R variant (also known as c.73G>A), located in coding exon 2 of the BRCA2 gene, results from a G to A substitution at nucleotide position 73. The glycine at codon 25 is replaced by arginine, an amino acid with dissimilar properties. This variant was found to be functionally sufficient in a BRCA2-null mouse embryonic stem cell complementation assay, a homology-directed repair assay, and a cisplatin sensitivity assay (Mesman RLS et al. Genet Med, 2019 02;21:293-302). This amino acid position is highly conserved in available vertebrate species. In addition, the in silico prediction for this alteration is inconclusive. Since supporting evidence is limited at this time, the clinical significance of this alteration remains unclear.

Labcorp Genetics (formerly Invitae), Labcorp
Classification: Uncertain significance for Hereditary breast ovarian cancer syndrome. Last evaluated: 2022-10-20. Review status: criteria provided, single submitter. Criteria: Invitae Variant Classification Sherloc (09022015). Collection method: clinical testing. Allele origin: germline.
Comment: This sequence change replaces glycine, which is neutral and non-polar, with arginine, which is basic and polar, at codon 25 of the BRCA2 protein (p.Gly25Arg). This variant is present in population databases (rs80358961, gnomAD no frequency). This missense change has been observed in individual(s) with clinical features of BRCA2-related conditions (PMID: 10923033). ClinVar contains an entry for this variant (Variation ID: 52318). Advanced modeling of protein sequence and biophysical properties (such as structural, functional, and spatial information, amino acid conservation, physicochemical variation, residue mobility, and thermodynamic stability) performed at Invitae indicates that this missense variant is not expected to disrupt BRCA2 protein function. Experimental studies have shown that this missense change affects BRCA2 function (PMID: 16793542, 22678057, 27490902, 29988080). In summary, the available evidence is currently insufficient to determine the role of this variant in disease. Therefore, it has been classified as a Variant of Uncertain Significance.

GeneDx
Classification: Uncertain significance. Last evaluated: 2022-06-07. Review status: criteria provided, single submitter. Criteria: GeneDx Variant Classification Process June 2021. Collection method: clinical testing. Allele origin: germline. Affected: yes.
Comment: Observed in an individual who met NCCN guidelines for testing of the BRCA1 and BRCA2 genes (Kurian 2008); Published functional studies are inconclusive: retained ability to rescue BRCA2 null embryonic stem cell lethality, mildly defective cisplatin sensitivity, mixed results of homology-directed repair activity, and reduced PALB2 binding activity and RAD51 foci formation (Xia 2006, Biswas 2012, Harford 2016, Mesman 2018, Biswas 2020); Not observed at significant frequency in large population cohorts (gnomAD); In silico analysis supports that this missense variant does not alter protein structure/function; Also known as 301G>A; This variant is associated with the following publications: (PMID: 19609323, 25801821, 21939546, 24772314, 22678057, 16793542, 24817641, 20164689, 24323938, 31131967, 29988080, 27490902, 33293522, 18779604)

Color Diagnostics, LLC DBA Color Health
Classification: Uncertain significance for Hereditary cancer-predisposing syndrome. Last evaluated: 2021-12-14. Review status: criteria provided, single submitter. Criteria: ACMG Guidelines, 2015. Collection method: clinical testing. Allele origin: germline.
Comment: This missense variant replaces glycine with arginine at codon 25 of the BRCA2 protein. Computational prediction suggests that this variant may not impact protein structure and function (internally defined REVEL score threshold <= 0.5, PMID: 27666373). Functional studies have reported that this variant impacts PALB2 binding and homology-directed repair and associated activities and confers increased tumor susceptibility in a mouse model (PMID: 16793542, 22678057, 27490902). This variant has been reported in one individual with personal and/or family history of breast and/or ovarian cancer (PMID: 18779604) and has been reported in the Leiden Open Variation Database (individual #00048392). This variant has been identified in 1/250108 chromosomes in the general population by the Genome Aggregation Database (gnomAD). The available evidence is insufficient to determine the role of this variant in disease conclusively. Therefore, this variant is classified as a Variant of Uncertain Significance.

Department of Pathology and Laboratory Medicine, Sinai Health System
Classification: Uncertain significance for Familial cancer of breast; Breast-ovarian cancer, familial, susceptibility to, 2. Last evaluated: 2019-12-02. Review status: criteria provided, single submitter. Criteria: ACMG Guidelines, 2015. Collection method: clinical testing. Allele origin: germline. Affected: yes.

Breast Cancer Information Core (BIC) (BRCA2)
Classification: Uncertain significance for Breast-ovarian cancer, familial 2. Last evaluated: 2002-05-29. Review status: no assertion criteria provided. Collection method: clinical testing. Allele origin: germline. Affected: yes. Observed: 1 variant allele. Not counted in ClinVar's aggregate classification.

Literature cited by the submitters: PubMed 29988080 (cited by Ambry Genetics and Labcorp Genetics (formerly Invitae), Labcorp); PubMed 10923033 (cited by Labcorp Genetics (formerly Invitae), Labcorp); PubMed 16793542 (cited by 3 submitters); PubMed 22678057 (cited by 3 submitters); PubMed 27490902 (cited by 3 submitters); PubMed 18779604 (cited by Color Diagnostics, LLC DBA Color Health).